The following is an entry in ClinVar:

NM_001482.3(GATM):c.885C>A (p.Ser295=)

Gene: GATM (glycine amidinotransferase; minus strand). Cytogenetic location: 15q21.1.
Variant type: single nucleotide variant.
Coding change: c.885C>A on transcript NM_001482.3 (MANE Select); coding-DNA position 885, C replaced by A.
Protein change: p.Ser295=; no amino-acid change (serine 295 retained).
Molecular consequence: synonymous variant.
Genome position (GRCh38, 1-based): chr15:45,366,139, G>T on the plus strand (C>A on the coding strand, the complement: GATM is on the minus strand). VCF-style: chr15-45366139-G-T. GRCh37 (hg19) VCF-style: chr15-45658337-G-T.
Other names: c.498C>A, p.Ser166= (NM_001321015.2).
Identifiers: ClinVar variation 377916 (VCV000377916.12), dbSNP rs3210029, ClinGen allele CA7542832.
Genomic context (GRCh38, chr15:45,366,139, plus strand): 5'-AATACCAGGTCCAATGATGTTGAAGGTAGCATCAATATGCATGGGATTGGGATCTTTAAA[G>T]GAGATGATATGCACTCTGTAGTCTGGAGCAAGATGCCTACGCATCCATTCAATGCCTAGG-3'
Protein context (NP_001473.1, residues 285-305): LAPDYRVHII[Ser295=]FKDPNPMHID

ClinVar aggregate classification (germline): Likely benign. Review status: criteria provided, multiple submitters, no conflicts (2 of 4 stars). 3 submissions from 3 submitters: Likely benign (3). Last evaluated 2026-01-09.

Conditions:
Arginine:glycine amidinotransferase deficiency (CCDS3). Also called: AGAT deficiency; Creatine deficiency syndrome due to AGAT deficiency; GATM deficiency; Cerebral creatine deficiency syndrome 3; L-Arginine:Glycine Amidinotransferase Deficiency; L-Arginine:Glycine Amidinotransferase (AGAT) Deficiency. Identifiers: Orphanet 35704, MedGen C2675179, MONDO:0012996, OMIM 612718.

Allele frequency attached by ClinVar (database versions not stated): 1000 Genomes Project 30x 0.00016; 1000 Genomes Project 0.00020; gnomAD exomes 0.00001; ExAC 0.00002; gnomAD 0.00002 and 0.00003; TOPMed 0.00003; ESP Exome Variant Server 0.00008.
gnomAD v4.1: 20 of 1,614,020 alleles (0.0012%); highest among the groups gnomAD compares: Middle Eastern, 0.033%; no homozygotes.

Submissions (3):

Labcorp Genetics (formerly Invitae), Labcorp
Classification: Likely benign for Arginine:glycine amidinotransferase deficiency. Last evaluated: 2026-01-09. Review status: criteria provided, single submitter. Criteria: Invitae Variant Classification Sherloc (09022015). Collection method: clinical testing. Allele origin: germline.

Women's Health and Genetics/Laboratory Corporation of America, LabCorp
Classification: Likely benign. Last evaluated: 2025-10-29. Review status: criteria provided, single submitter. Criteria: LabCorp Variant Classification Summary - May 2015. Collection method: clinical testing. Allele origin: germline.

GeneDx
Classification: Likely benign. Last evaluated: 2016-12-22. Review status: criteria provided, single submitter. Criteria: GeneDx Variant Classification (06012015). Collection method: clinical testing. Allele origin: germline. Affected: yes.
Comment: This variant is considered likely benign or benign based on one or more of the following criteria: it is a conservative change, it occurs at a poorly conserved position in the protein, it is predicted to be benign by multiple in silico algorithms, and/or has population frequency not consistent with disease.